The following is an entry in ClinVar:

ClinVar aggregate classification (germline): Uncertain significance (1 of 4 stars; one submission).

Conditions:
Long QT syndrome (LQTS). Identifiers: MedGen C0023976, MeSH D008133, MONDO:0002442. Disease mechanism: loss of function. Inheritance: Various modes of inheritance.

Submission:

Labcorp Genetics (formerly Invitae), Labcorp
Classification: Uncertain significance for Long QT syndrome. Last evaluated: 2023-06-22. Review status: criteria provided, single submitter. Criteria: Invitae Variant Classification Sherloc (09022015). Collection method: clinical testing. Allele origin: germline.
Comment: Algorithms developed to predict the effect of missense changes on protein structure and function output the following: SIFT: "Not Available"; PolyPhen-2: "Benign"; Align-GVGD: "Not Available". The glutamic acid amino acid residue is found in multiple mammalian species, which suggests that this missense change does not adversely affect protein function. In summary, the available evidence is currently insufficient to determine the role of this variant in disease. Therefore, it has been classified as a Variant of Uncertain Significance. This variant has not been reported in the literature in individuals affected with AKAP9-related conditions. This variant is not present in population databases (gnomAD no frequency). This sequence change replaces glutamine, which is neutral and polar, with glutamic acid, which is acidic and polar, at codon 2667 of the AKAP9 protein (p.Gln2667Glu).

NM_005751.5(AKAP9):c.7999C>G (p.Gln2667Glu)

Gene: AKAP9 (A-kinase anchoring protein 9; plus strand). Cytogenetic location: 7q21.2.
Variant type: single nucleotide variant.
Coding change: c.7999C>G on transcript NM_005751.5 (MANE Select); coding-DNA position 7999, C replaced by G.
Protein change: p.Gln2667Glu; replaces glutamine 2667 with glutamic acid.
Molecular consequence: missense variant.
Genome position (GRCh38, 1-based): chr7:92,080,132, C>G. VCF-style: chr7-92080132-C-G. GRCh37 (hg19) VCF-style: chr7-91709446-C-G.
Other names: c.2644C>G, p.Gln882Glu (NM_001379277.1); c.7975C>G, p.Gln2659Glu (NM_147185.3); short protein forms Q2659E, Q2667E, Q882E.
Identifiers: ClinVar variation 2724838 (VCV002724838.3), dbSNP rs2535247989, ClinGen allele CA368137009.